The following is an entry in ClinVar:

NM_000098.3(CPT2):c.1604G>A (p.Cys535Tyr)

Gene: CPT2 (carnitine palmitoyltransferase 2; plus strand). Cytogenetic location: 1p32.3.
Variant type: single nucleotide variant.
Coding change: c.1604G>A on transcript NM_000098.3 (MANE Select); coding-DNA position 1604, G replaced by A.
Protein change: p.Cys535Tyr; replaces cysteine 535 with tyrosine.
Molecular consequence: missense variant. On other transcripts: intron variant (1).
Genome position (GRCh38, 1-based): chr1:53,211,278, G>A. VCF-style: chr1-53211278-G-A. GRCh37 (hg19) VCF-style: chr1-53676950-G-A.
Other names: p.Cys535Tyr; c.1576+28G>A (NM_001330589.2); c.1604G>A (NM_000098.2); short protein forms C535Y.
Identifiers: ClinVar variation 2683716 (VCV002683716.2), dbSNP rs755304451, ClinGen allele CA859238.

ClinVar aggregate classification (germline): Uncertain significance. Review status: criteria provided, single submitter (1 of 4 stars). 2 submissions from 2 submitters: Uncertain significance (1). 1 of the submissions does not count toward it. Last evaluated 2023-04-12.

Conditions:
Carnitine palmitoyltransferase II deficiency. Also called: Carnitine Palmitoyltransferase 2 Deficiency. Identifiers: Orphanet 157, MedGen C0342790, MONDO:0015515.

Allele frequency attached by ClinVar (database versions not stated): TOPMed below 0.00001; ExAC 0.00001; gnomAD 0.00001.

Submissions (2):

Mayo Clinic Laboratories, Mayo Clinic
Classification: Uncertain significance. Last evaluated: 2023-04-12. Review status: criteria provided, single submitter. Criteria: ACMG Guidelines, 2015. Collection method: clinical testing. Allele origin: germline. Observed: 1 variant allele.
Comment: PP3, PM2_supporting

Natera, Inc.
Classification: Uncertain significance for Carnitine palmitoyltransferase II deficiency. Last evaluated: 2025-01-17. Review status: no assertion criteria provided. Collection method: clinical testing. Allele origin: germline. Not counted in ClinVar's aggregate classification.